The following is an entry in ClinVar:

NM_138927.4(SON):c.1085C>T (p.Pro362Leu)

Gene: SON (SON DNA and RNA binding protein; plus strand). Cytogenetic location: 21q22.11.
Variant type: single nucleotide variant.
Coding change: c.1085C>T on transcript NM_138927.4 (MANE Select); coding-DNA position 1085, C replaced by T.
Protein change: p.Pro362Leu; replaces proline 362 with leucine.
Molecular consequence: missense variant. On other transcripts: non-coding transcript variant (1), intron variant (1).
Genome position (GRCh38, 1-based): chr21:33,550,316, C>T. VCF-style: chr21-33550316-C-T. GRCh37 (hg19) VCF-style: chr21-34922622-C-T.
Other names: c.1085C>T, p.Pro362Leu (NM_001291411.2, NM_001412133.1, NM_032195.3 and 2 more transcripts); c.244+3937C>T (NM_001291412.3); short protein forms P362L.
Identifiers: ClinVar variation 2195529 (VCV002195529.12), dbSNP rs756474261, ClinGen allele CA10008809.

ClinVar aggregate classification (germline): Benign/Likely benign. Review status: criteria provided, multiple submitters, no conflicts (2 of 4 stars). 3 submissions from 3 submitters: Benign (2); Likely benign (1). Last evaluated 2026-02-01.

gnomAD v4.1: 40 of 1,613,944 alleles (0.0025%); highest among the groups gnomAD compares: African/African-American, 0.016%; no homozygotes.

Submissions (3):

CeGaT Center for Human Genetics Tuebingen
Classification: Likely benign. Last evaluated: 2026-02-01. Review status: criteria provided, single submitter. Criteria: CeGaT Center For Human Genetics Tuebingen Variant Classification Criteria Version 2. Collection method: clinical testing. Allele origin: germline. Affected: yes. Observed: 2 variant alleles.
Comment: SON: BP4

Labcorp Genetics (formerly Invitae), Labcorp
Classification: Benign. Last evaluated: 2024-06-28. Review status: criteria provided, single submitter. Criteria: Invitae Variant Classification Sherloc (09022015). Collection method: clinical testing. Allele origin: germline.

Breakthrough Genomics
Classification: Benign. Review status: criteria provided, single submitter. Criteria: ACMG Guidelines, 2015. Collection method: not provided. Allele origin: germline. Inheritance: Autosomal dominant inheritance. Affected: yes.